The following is an entry in ClinVar:

ClinVar aggregate classification (germline): Uncertain significance (1 of 4 stars; one submission).

Conditions:
Wilson disease (WND). Also called: Wilson's disease. Identifiers: Orphanet 905, MedGen C0019202, MONDO:0010200, OMIM 277900. Disease mechanism: loss of function.

Submission:

All of Us Research Program, National Institutes of Health
Classification: Uncertain significance for Wilson disease. Last evaluated: 2024-07-20. Review status: criteria provided, single submitter. Criteria: ACMG Guidelines, 2015. Collection method: clinical testing. Allele origin: germline. Inheritance: Autosomal recessive inheritance. Observed: 1 variant allele, 1 heterozygote.
Comment: This missense variant replaces cysteine with tryptophan at codon 72 of the ATP7B protein. Computational prediction suggests that this variant may have deleterious impact on protein structure and function (internally defined REVEL score threshold >= 0.7, PMID: 27666373). To our knowledge, functional studies have not been reported for this variant. This variant has not been reported in individuals affected with ATP7B-related disorders in the literature. This variant has not been identified in the general population by the Genome Aggregation Database (gnomAD). The available evidence is insufficient to determine the role of this variant in disease conclusively. Therefore, this variant is classified as a Variant of Uncertain Significance.

This study involves interpretation of variants in research participants for the purpose of population health screening. Participant phenotype was not available at the time of variant classification. Additional details can be found in publication PMID: 35346344, PMCID: PMC8962531

NM_000053.4(ATP7B):c.216T>G (p.Cys72Trp)

Gene: ATP7B (ATPase copper transporting beta; minus strand). Cytogenetic location: 13q14.3.
Variant type: single nucleotide variant.
Coding change: c.216T>G on transcript NM_000053.4 (MANE Select); coding-DNA position 216, T replaced by G.
Protein change: p.Cys72Trp; replaces cysteine 72 with tryptophan.
Molecular consequence: missense variant.
Genome position (GRCh38, 1-based): chr13:51,975,004, A>C on the plus strand (T>G on the coding strand, the complement: ATP7B is on the minus strand). VCF-style: chr13-51975004-A-C. GRCh37 (hg19) VCF-style: chr13-52549140-A-C.
Other names: c.216T>G, p.Cys72Trp (NM_001406534.1, NM_001406535.1, NM_001406537.1 and 30 more transcripts); c.120T>G, p.Cys40Trp (NM_001406536.1, NM_001406539.1, NM_001406517.1 and 4 more transcripts); short protein forms C40W, C72W.
Identifiers: ClinVar variation 3385865 (VCV003385865.1).